The following is an entry in ClinVar:

ClinVar aggregate classification (germline): Uncertain significance (1 of 4 stars; one submission).

Submission:

Labcorp Genetics (formerly Invitae), Labcorp
Classification: Uncertain significance. Last evaluated: 2024-12-07. Review status: criteria provided, single submitter. Criteria: Invitae Variant Classification Sherloc (09022015). Collection method: clinical testing. Allele origin: germline.
Comment: This sequence change replaces glutamic acid, which is acidic and polar, with glycine, which is neutral and non-polar, at codon 861 of the CTR9 protein (p.Glu861Gly). This variant is not present in population databases (gnomAD no frequency). This variant has not been reported in the literature in individuals affected with CTR9-related conditions. An algorithm developed to predict the effect of missense changes on protein structure and function (PolyPhen-2) suggests that this variant is likely to be tolerated. In summary, the available evidence is currently insufficient to determine the role of this variant in disease. Therefore, it has been classified as a Variant of Uncertain Significance.

NM_014633.5(CTR9):c.2582A>G (p.Glu861Gly)

Gene: CTR9 (CTR9 component of Paf1/RNA polymerase II complex; plus strand). Cytogenetic location: 11p15.4.
Variant type: single nucleotide variant.
Coding change: c.2582A>G on transcript NM_014633.5 (MANE Select); coding-DNA position 2582, A replaced by G.
Protein change: p.Glu861Gly; replaces glutamic acid 861 with glycine.
Molecular consequence: missense variant.
Genome position (GRCh38, 1-based): chr11:10,773,128, A>G. VCF-style: chr11-10773128-A-G. GRCh37 (hg19) VCF-style: chr11-10794675-A-G.
Other names: c.2510A>G, p.Glu837Gly (NM_001346279.2); short protein forms E837G, E861G.
Identifiers: ClinVar variation 3642347 (VCV003642347.2).
Genomic context (GRCh38, chr11:10,773,128, plus strand): 5'-AATTTTTCATCATAAGAAAATTTGCAGTGGGGTTTCTTTTCTACCATTTTTCCTCATAGG[A>G]AGAGAAACGTCTCAGAGAAAAGGAAGAGCAAAAGAAACTTTTGGAACAGCGGGCCCAGTA-3'
Protein context (NP_055448.1, residues 851-871): LLRQKLLKEQ[Glu861Gly]EKRLREKEEQ